The following is an entry in ClinVar:

ClinVar aggregate classification (germline): Uncertain significance. Review status: criteria provided, multiple submitters, no conflicts (2 of 4 stars). 5 submissions from 5 submitters: Uncertain significance (5). Last evaluated 2026-07-28.

Conditions:
MSH6-related disorder. Also called: MSH6-related condition; MSH6-Related disorders.
Hereditary nonpolyposis colorectal neoplasms. Identifiers: MedGen C0009405, MeSH D003123.
Hereditary cancer-predisposing syndrome. Also called: Neoplastic Syndromes, Hereditary; Tumor predisposition; Hereditary neoplastic syndrome; Hereditary Cancer Syndrome. Identifiers: Orphanet 140162, MedGen C0027672, MeSH D009386, MONDO:0015356.

Allele frequency attached by ClinVar (database versions not stated): gnomAD exomes below 0.00001; ExAC 0.00001.

Submissions (5):

PreventionGenetics, part of Exact Sciences
Classification: Uncertain significance for MSH6-related condition. Last evaluated: 2026-07-28. Review status: criteria provided, single submitter. Criteria: ACMG Guidelines, 2015. Collection method: clinical testing. Allele origin: germline.
Comment: The MSH6 c.3253A>T variant is predicted to result in the amino acid substitution p.Thr1085Ser. To our knowledge, this variant has not been reported in the literature. This variant is reported in 0.0029% of alleles in individuals of Latino descent in gnomAD and is classified as uncertain in the ClinVar database (Variation ID: 632908). At this time, the clinical significance of this variant is uncertain due to the absence of conclusive functional and genetic evidence.

Labcorp Genetics (formerly Invitae), Labcorp
Classification: Uncertain significance for Hereditary nonpolyposis colorectal neoplasms. Last evaluated: 2025-10-13. Review status: criteria provided, single submitter. Criteria: Invitae Variant Classification Sherloc (09022015). Collection method: clinical testing. Allele origin: germline.
Comment: This sequence change replaces threonine, which is neutral and polar, with serine, which is neutral and polar, at codon 1085 of the MSH6 protein (p.Thr1085Ser). This variant is present in population databases (rs751563328, gnomAD 0.003%). This variant has not been reported in the literature in individuals affected with MSH6-related conditions. ClinVar contains an entry for this variant (Variation ID: 632908). Invitae Evidence Modeling of protein sequence and biophysical properties (such as structural, functional, and spatial information, amino acid conservation, physicochemical variation, residue mobility, and thermodynamic stability) indicates that this missense variant is not expected to disrupt MSH6 protein function with a negative predictive value of 95%. In summary, the available evidence is currently insufficient to determine the role of this variant in disease. Therefore, it has been classified as a Variant of Uncertain Significance.

Color Diagnostics, LLC DBA Color Health
Classification: Uncertain significance for Hereditary cancer-predisposing syndrome. Last evaluated: 2024-03-06. Review status: criteria provided, single submitter. Criteria: ACMG Guidelines, 2015. Collection method: clinical testing. Allele origin: germline.
Comment: This missense variant replaces threonine with serine at codon 1085 of the MSH6 protein. Computational prediction suggests that this variant may not impact protein structure and function (internally defined REVEL score threshold <= 0.5, PMID: 27666373). To our knowledge, functional studies have not been reported for this variant. This variant has not been reported in individuals affected with hereditary cancer in the literature. This variant has been identified in 1/249750 chromosomes in the general population by the Genome Aggregation Database (gnomAD). The available evidence is insufficient to determine the role of this variant in disease conclusively. Therefore, this variant is classified as a Variant of Uncertain Significance.

Ambry Genetics
Classification: Uncertain significance for Hereditary cancer-predisposing syndrome. Last evaluated: 2022-12-29. Review status: criteria provided, single submitter. Criteria: Ambry Variant Classification Scheme 2023. Collection method: clinical testing. Allele origin: germline.
Comment: The p.T1085S variant (also known as c.3253A>T), located in coding exon 5 of the MSH6 gene, results from an A to T substitution at nucleotide position 3253. The threonine at codon 1085 is replaced by serine, an amino acid with similar properties. This amino acid position is not well conserved in available vertebrate species. In addition, this alteration is predicted to be tolerated by in silico analysis. Since supporting evidence is limited at this time, the clinical significance of this alteration remains unclear.

Women's Health and Genetics/Laboratory Corporation of America, LabCorp
Classification: Uncertain significance. Last evaluated: 2018-08-09. Review status: criteria provided, single submitter. Criteria: LabCorp Variant Classification Summary - May 2015. Collection method: clinical testing. Allele origin: germline.
Comment: Variant summary: MSH6 c.3253A>T (p.Thr1085Ser) results in a conservative amino acid change located in the DNA mismatch repair protein MutS, core domain of the encoded protein sequence. Five of five in-silico tools predict a benign effect of the variant on protein function. The variant allele was found at a frequency of 4.1e-06 in 244992 control chromosomes (gnomAD). The available data on variant occurrences in the general population are insufficient to allow any conclusion about variant significance. To our knowledge, no occurrence of c.3253A>T in individuals affected with Lynch Syndrome and no experimental evidence demonstrating its impact on protein function have been reported. No clinical diagnostic laboratories have submitted clinical-significance assessments for this variant to ClinVar after 2014. Based on the evidence outlined above, the variant was classified as uncertain significance.

NM_000179.3(MSH6):c.3253A>T (p.Thr1085Ser)

Gene: MSH6 (mutS homolog 6; plus strand). Cytogenetic location: 2p16.3.
Variant type: single nucleotide variant.
Coding change: c.3253A>T on transcript NM_000179.3 (MANE Select); coding-DNA position 3253, A replaced by T.
Protein change: p.Thr1085Ser; replaces threonine 1085 with serine.
Molecular consequence: missense variant.
Genome position (GRCh38, 1-based): chr2:47,803,500, A>T. VCF-style: chr2-47803500-A-T. GRCh37 (hg19) VCF-style: chr2-48030639-A-T.
Other names: c.2347A>T, p.Thr783Ser (NM_001281494.2, NM_001281493.2); c.2863A>T, p.Thr955Ser (NM_001281492.2); short protein forms T1085S, T783S, T955S.
Identifiers: ClinVar variation 632908 (VCV000632908.14), dbSNP rs751563328, ClinGen allele CA1649450.
Genomic context (GRCh38, chr2:47,803,500, plus strand): 5'-AACTATAGTCGAGGGGGTGATGGTCCTATGTGTCGCCCAGTAATTCTGTTGCCGGAAGAT[A>T]CCCCCCCCTTCTTAGAGCTTAAAGGATCACGCCATCCTTGCATTACGAAGACTTTTTTTG-3'
Protein context (NP_000170.1, residues 1075-1095): CRPVILLPED[Thr1085Ser]PPFLELKGSR